The following is an entry in ClinVar:

NM_002979.5(SCP2):c.1347A>G (p.Glu449=)

Gene: SCP2 (sterol carrier protein 2; plus strand). Cytogenetic location: 1p32.3.
Variant type: single nucleotide variant.
Coding change: c.1347A>G on transcript NM_002979.5 (MANE Select); coding-DNA position 1347, A replaced by G.
Protein change: p.Glu449=; no amino-acid change (glutamic acid 449 retained).
Molecular consequence: synonymous variant. On other transcripts: intron variant (1).
Genome position (GRCh38, 1-based): chr1:53,038,925, A>G. VCF-style: chr1-53038925-A-G. GRCh37 (hg19) VCF-style: chr1-53504597-A-G.
Other names: c.135A>G, p.Glu45= (NM_001007099.3); c.126A>G, p.Glu42= (NM_001007100.3); c.1275A>G, p.Glu425= (NM_001193599.2); c.1215A>G, p.Glu405= (NM_001193600.2); c.1104A>G, p.Glu368= (NM_001193617.2); c.127-8933A>G (NM_001007250.3); c.1347A>G (NM_002979.4).
Identifiers: ClinVar variation 595123 (VCV000595123.13), dbSNP rs376582235, ClinGen allele CA22576011.
Genomic context (GRCh38, chr1:53,038,925, plus strand): 5'-GAAAGCCAGAGAAATGGACTTAATGTAACCCCAGTGTTATTTTTCTTTCCAGGAAGGGGA[A>G]CAGTTTGTGAAGAAAATCGGTGGTATTTTTGCCTTCAAGGTGAAAGATGGCCCTGGGGGT-3'
Protein context (NP_002970.2, residues 439-459): EIEKKLEEEG[Glu449=]QFVKKIGGIF

ClinVar aggregate classification (germline): Conflicting classifications of pathogenicity. Review status: criteria provided, conflicting classifications (1 of 4 stars). 3 submissions from 3 submitters: Uncertain significance (1); Likely benign (2). Last evaluated 2026-07-18.

Conditions:
SCP2-related disorder. Also called: SCP2-related condition.

Allele frequency attached by ClinVar (database versions not stated): gnomAD exomes below 0.00001 and 0.00004; gnomAD 0.00001; TOPMed 0.00002; ESP Exome Variant Server 0.00008.
gnomAD v4.1: 58 of 1,613,920 alleles (0.0036%); highest among the groups gnomAD compares: Non-Finnish European, 0.0047%; no homozygotes.

Submissions (3):

PreventionGenetics, part of Exact Sciences
Classification: Likely benign for SCP2-related condition. Last evaluated: 2026-07-18. Review status: criteria provided, single submitter. Criteria: ACMG Guidelines, 2015. Collection method: clinical testing. Allele origin: germline.
Comment: This variant is classified as likely benign based on ACMG/AMP sequence variant interpretation guidelines (Richards et al. 2015 PMID: 25741868, with internal and published modifications).

Labcorp Genetics (formerly Invitae), Labcorp
Classification: Likely benign. Last evaluated: 2024-02-17. Review status: criteria provided, single submitter. Criteria: Invitae Variant Classification Sherloc (09022015). Collection method: clinical testing. Allele origin: germline.

Eurofins Ntd Llc (ga)
Classification: Uncertain significance. Last evaluated: 2017-11-22. Review status: criteria provided, single submitter. Criteria: EGL Classification Definitions 2015. Collection method: clinical testing. Allele origin: germline. Observed: 1 variant allele, 1 heterozygote.